The following is an entry in ClinVar:

ClinVar aggregate classification (germline): Uncertain significance. Review status: criteria provided, multiple submitters, no conflicts (2 of 4 stars). 3 submissions from 3 submitters: Uncertain significance (3). Last evaluated 2025-02-14.

Conditions:
SPARC-related disorder. Also called: SPARC-related condition.
Inborn genetic diseases. Identifiers: MedGen C0950123, MeSH D030342.

Allele frequency attached by ClinVar (database versions not stated): ExAC 0.00004; TOPMed 0.00004; gnomAD 0.00005 and 0.00006; ESP Exome Variant Server 0.00008; gnomAD exomes 0.00008 and 0.00011.

Submissions (3):

PreventionGenetics, part of Exact Sciences
Classification: Uncertain significance for SPARC-related condition. Last evaluated: 2025-02-14. Review status: criteria provided, single submitter. Criteria: ACMG Guidelines, 2015. Collection method: clinical testing. Allele origin: germline.
Comment: The SPARC c.652C>T variant is predicted to result in the amino acid substitution p.Arg218Trp. To our knowledge, this variant has not been reported in the literature. This variant is reported in 0.014% of alleles in individuals of European (Non-Finnish) descent in gnomAD. At this time, the clinical significance of this variant is uncertain due to the absence of conclusive functional and genetic evidence.

Ambry Genetics
Classification: Uncertain significance for Inborn genetic diseases. Last evaluated: 2024-03-07. Review status: criteria provided, single submitter. Criteria: Ambry Variant Classification Scheme 2023. Collection method: clinical testing. Allele origin: germline.

Labcorp Genetics (formerly Invitae), Labcorp
Classification: Uncertain significance. Last evaluated: 2022-07-17. Review status: criteria provided, single submitter. Criteria: Invitae Variant Classification Sherloc (09022015). Collection method: clinical testing. Allele origin: germline.
Comment: This sequence change replaces arginine, which is basic and polar, with tryptophan, which is neutral and slightly polar, at codon 218 of the SPARC protein (p.Arg218Trp). This variant is present in population databases (rs150910656, gnomAD 0.01%). This variant has not been reported in the literature in individuals affected with SPARC-related conditions. ClinVar contains an entry for this variant (Variation ID: 1359328). Algorithms developed to predict the effect of missense changes on protein structure and function are either unavailable or do not agree on the potential impact of this missense change (SIFT: "Deleterious"; PolyPhen-2: "Possibly Damaging"; Align-GVGD: "Class C0"). In summary, the available evidence is currently insufficient to determine the role of this variant in disease. Therefore, it has been classified as a Variant of Uncertain Significance.

NM_003118.4(SPARC):c.652C>T (p.Arg218Trp)

Gene: SPARC (secreted protein acidic and cysteine rich; minus strand). Cytogenetic location: 5q33.1.
Variant type: single nucleotide variant.
Coding change: c.652C>T on transcript NM_003118.4 (MANE Select); coding-DNA position 652, C replaced by T.
Protein change: p.Arg218Trp; replaces arginine 218 with tryptophan.
Molecular consequence: missense variant.
Genome position (GRCh38, 1-based): chr5:151,666,443, G>A on the plus strand (C>T on the coding strand, the complement: SPARC is on the minus strand). VCF-style: chr5-151666443-G-A. GRCh37 (hg19) VCF-style: chr5-151046004-G-A.
Other names: c.649C>T, p.Arg217Trp (NM_001309443.2); c.652C>T, p.Arg218Trp (NM_001309444.2); c.652C>T (NM_003118.3, NM_003118.2); short protein forms R218W, R217W.
Identifiers: ClinVar variation 1359328 (VCV001359328.7), dbSNP rs150910656, ClinGen allele CA3522619.
Genomic context (GRCh38, chr5:151,666,443, plus strand): 5'-GCTGGCCGAACTGCCAGTGTACAGGGAAGATGTACATGTTATAGTTCTTCTCGAAGTCCC[G>A]GGCCAGCAGCTCCACGGGGTGGTCTCCTGCCTCCAGGCGCTTCTCATTCTCATGGATCTT-3'
Protein context (NP_003109.1, residues 208-228): AGDHPVELLA[Arg218Trp]DFEKNYNMYI